The following is an entry in ClinVar:

NM_006767.4(LZTR1):c.1373G>C (p.Gly458Ala)

Gene: LZTR1 (leucine zipper like post translational regulator 1; plus strand). Cytogenetic location: 22q11.21.
Variant type: single nucleotide variant.
Coding change: c.1373G>C on transcript NM_006767.4 (MANE Select); coding-DNA position 1373, G replaced by C.
Protein change: p.Gly458Ala; replaces glycine 458 with alanine.
Molecular consequence: missense variant.
Genome position (GRCh38, 1-based): chr22:20,993,943, G>C. VCF-style: chr22-20993943-G-C. GRCh37 (hg19) VCF-style: chr22-21348232-G-C.
Other names: c.1373G>C (NM_006767.3); short protein forms G458A.
Identifiers: ClinVar variation 2195874 (VCV002195874.9), dbSNP rs1303528589, ClinGen allele CA410775058.

ClinVar aggregate classification (germline): Uncertain significance. Review status: criteria provided, multiple submitters, no conflicts (2 of 4 stars). 4 submissions from 4 submitters: Uncertain significance (4). Last evaluated 2026-03-23.

Conditions:
LZTR1-related disorder. Also called: LZTR1-related disorders; LZTR1-related condition.
Hereditary cancer-predisposing syndrome. Also called: Hereditary neoplastic syndrome; Neoplastic Syndromes, Hereditary; Hereditary Cancer Syndrome; Tumor predisposition. Identifiers: Orphanet 140162, MedGen C0027672, MeSH D009386, MONDO:0015356.
Cardiovascular phenotype. Identifiers: MedGen CN230736.

Allele frequency attached by ClinVar (database versions not stated): TOPMed 0.00001.
gnomAD v4.1: 2 of 1,612,298 alleles (0.00012%); highest among the groups gnomAD compares: Admixed American, 0.0033%; no homozygotes.

Submissions (4):

Ambry Genetics
Classification: Uncertain significance for Cardiovascular phenotype; Hereditary cancer-predisposing syndrome. Last evaluated: 2026-03-23. Review status: criteria provided, single submitter. Criteria: Ambry Variant Classification Scheme 2023. Collection method: clinical testing. Allele origin: germline.

PreventionGenetics, part of Exact Sciences
Classification: Uncertain significance for LZTR1-related condition. Last evaluated: 2025-10-29. Review status: criteria provided, single submitter. Criteria: ACMG Guidelines, 2015. Collection method: clinical testing. Allele origin: germline.
Comment: The LZTR1 c.1373G>C variant is predicted to result in the amino acid substitution p.Gly458Ala. To our knowledge, this variant has not been reported in the literature or in a large population database (gnomAD), indicating this variant is rare. At this time, the clinical significance of this variant is uncertain due to the absence of conclusive functional and genetic evidence.

Labcorp Genetics (formerly Invitae), Labcorp
Classification: Uncertain significance. Last evaluated: 2025-10-23. Review status: criteria provided, single submitter. Criteria: Invitae Variant Classification Sherloc (09022015). Collection method: clinical testing. Allele origin: germline.
Comment: This sequence change replaces glycine, which is neutral and non-polar, with alanine, which is neutral and non-polar, at codon 458 of the LZTR1 protein (p.Gly458Ala). This variant is not present in population databases (gnomAD no frequency). This variant has not been reported in the literature in individuals affected with LZTR1-related conditions. ClinVar contains an entry for this variant (Variation ID: 2195874). Invitae Evidence Modeling of protein sequence and biophysical properties (such as structural, functional, and spatial information, amino acid conservation, physicochemical variation, residue mobility, and thermodynamic stability) indicates that this missense variant is not expected to disrupt LZTR1 protein function with a negative predictive value of 80%. In summary, the available evidence is currently insufficient to determine the role of this variant in disease. Therefore, it has been classified as a Variant of Uncertain Significance.

Women's Health and Genetics/Laboratory Corporation of America, LabCorp
Classification: Uncertain significance. Last evaluated: 2023-07-03. Review status: criteria provided, single submitter. Criteria: LabCorp Variant Classification Summary - May 2015. Collection method: clinical testing. Allele origin: germline.